The following is an entry in ClinVar:

NM_138409.4(MRAP2):c.228-1834G>A

Gene: MRAP2 (melanocortin 2 receptor accessory protein 2; plus strand). Cytogenetic location: 6q14.2.
Variant type: single nucleotide variant.
Coding change: c.228-1834G>A on transcript NM_138409.4 (MANE Select); 1834 bases into the intron before coding-DNA position 228, G replaced by A.
Molecular consequence: intron variant. On other transcripts: missense variant (1).
Genome position (GRCh38, 1-based): chr6:84,087,257, G>A. VCF-style: chr6-84087257-G-A. GRCh37 (hg19) VCF-style: chr6-84796976-G-A.
Other names: c.38G>A, p.Arg13Gln (NM_001346543.2); c.228-1834G>A (NM_001346542.2, NM_001346544.2); c.-31-1834G>A (NM_001346541.2); short protein forms R13Q.
Identifiers: ClinVar variation 3355989 (VCV003355989.1).
Genomic context (GRCh38, chr6:84,087,257, plus strand): 5'-AGACATCGATCAACATATGTAAGATGAACATTGGTTCAGTCTGGAAAGGCGGGACTACTC[G>A]AAGCAGGGAGGGGACTTCCAGGTCGTAAGTAGATAAGAGACAATGGTTGCATTCTTTTGA-3'

ClinVar aggregate classification (germline): Uncertain significance (0 of 4 stars; one submission).

Conditions:
MRAP2-related disorder. Also called: MRAP2-related condition.

Submission:

PreventionGenetics, part of Exact Sciences
Classification: Uncertain significance for MRAP2-related condition. Last evaluated: 2024-09-24. Review status: no assertion criteria provided. Collection method: clinical testing. Allele origin: germline.
Comment: The MRAP2 c.38G>A variant is predicted to result in the amino acid substitution p.Arg13Gln. This variant corresponds to a deep intronic position in the primary transcript for this gene (NM_138409:c.228-1834G>A). To our knowledge, this variant has not been reported in the literature or in a large population database, indicating this variant is rare. At this time, the clinical significance of this variant is uncertain due to the absence of conclusive functional and genetic evidence.